The following is an entry in ClinVar:

NM_001165963.4(SCN1A):c.1325C>G (p.Ala442Gly)

Gene: SCN1A (sodium voltage-gated channel alpha subunit 1; minus strand). Cytogenetic location: 2q24.3.
Variant type: single nucleotide variant.
Coding change: c.1325C>G on transcript NM_001165963.4 (MANE Select); coding-DNA position 1325, C replaced by G.
Protein change: p.Ala442Gly; replaces alanine 442 with glycine.
Molecular consequence: missense variant. On other transcripts: 5 prime UTR variant (1), non-coding transcript variant (1).
Genome position (GRCh38, 1-based): chr2:166,046,822, G>C on the plus strand (C>G on the coding strand, the complement: SCN1A is on the minus strand). VCF-style: chr2-166046822-G-C. GRCh37 (hg19) VCF-style: chr2-166903332-G-C.
Other names: c.1325C>G, p.Ala442Gly (NM_001165964.3, NM_001202435.3, NM_001353948.2 and 10 more transcripts); c.-1101C>G (NM_001353961.2); short protein forms A442G.
Identifiers: ClinVar variation 1311030 (VCV001311030.2), dbSNP rs2105861318, ClinGen allele CA349070502.

ClinVar aggregate classification (germline): Uncertain significance (1 of 4 stars; one submission).

Submission:

GeneDx
Classification: Uncertain significance. Last evaluated: 2019-12-16. Review status: criteria provided, single submitter. Criteria: GeneDx Variant Classification Process June 2021. Collection method: clinical testing. Allele origin: germline. Affected: yes.
Comment: Not observed in large population cohorts (Lek et al., 2016); The majority of missense variants in this gene are considered pathogenic (Stenson et al., 2014); In silico analysis, which includes protein predictors and evolutionary conservation, supports a deleterious effect; This substitution is predicted to be in the cytoplasmic loop between the first and second homologous domains; Has not been previously published as pathogenic or benign to our knowledge